The following is an entry in ClinVar:

NM_001242957.3(MAK):c.1747G>A (p.Ala583Thr)

Gene: MAK (male germ cell associated kinase; minus strand). Cytogenetic location: 6p24.2.
Variant type: single nucleotide variant.
Coding change: c.1747G>A on transcript NM_001242957.3 (MANE Select); coding-DNA position 1747, G replaced by A.
Protein change: p.Ala583Thr; replaces alanine 583 with threonine.
Molecular consequence: missense variant. On other transcripts: non-coding transcript variant (2), intron variant (2).
Genome position (GRCh38, 1-based): chr6:10,770,156, C>T on the plus strand (G>A on the coding strand, the complement: MAK is on the minus strand). VCF-style: chr6-10770156-C-T. GRCh37 (hg19) VCF-style: chr6-10770389-C-T.
Other names: c.1672G>A, p.Ala558Thr (NM_005906.6); c.1495+5172G>A (NM_001377262.1); c.1597+5172G>A (NM_001242385.2); short protein forms A558T, A583T.
Identifiers: ClinVar variation 3384579 (VCV003384579.1).

ClinVar aggregate classification (germline): Uncertain significance (1 of 4 stars; one submission).

Submission:

GeneDx
Classification: Uncertain significance. Last evaluated: 2024-06-07. Review status: criteria provided, single submitter. Criteria: GeneDx Variant Classification Process June 2021. Collection method: clinical testing. Allele origin: germline. Affected: yes.
Comment: Not observed at significant frequency in large population cohorts (gnomAD); In silico analysis indicates that this missense variant does not alter protein structure/function; Has not been previously published as pathogenic or benign to our knowledge